The following is an entry in ClinVar:

ClinVar aggregate classification (germline): Benign (0 of 4 stars; one submission).

Conditions:
FOLR3-related disorder. Also called: FOLR3-related condition.

Allele frequency attached by ClinVar (database versions not stated): 1000 Genomes Project 0.06829; 1000 Genomes Project 30x 0.06980; TOPMed 0.07850; ESP Exome Variant Server 0.08326.
gnomAD v4.1: 83,271 of 1,613,770 alleles (5.2%); highest among the groups gnomAD compares: African/African-American, 16%; 2,872 homozygotes.

Submission:

PreventionGenetics, part of Exact Sciences
Classification: Benign for FOLR3-related condition. Last evaluated: 2019-11-12. Review status: no assertion criteria provided. Collection method: clinical testing. Allele origin: germline.
Comment: This variant is classified as benign based on ACMG/AMP sequence variant interpretation guidelines (Richards et al. 2015 PMID: 25741868, with internal and published modifications).

NM_000804.4(FOLR3):c.82C>A (p.Arg28=)

Gene: FOLR3 (folate receptor gamma; plus strand). Cytogenetic location: 11q13.4.
Variant type: single nucleotide variant.
Coding change: c.82C>A on transcript NM_000804.4 (MANE Select); coding-DNA position 82, C replaced by A.
Protein change: p.Arg28=; no amino-acid change (arginine 28 retained).
Molecular consequence: synonymous variant. On other transcripts: non-coding transcript variant (1).
Genome position (GRCh38, 1-based): chr11:72,136,034, C>A. VCF-style: chr11-72136034-C-A. GRCh37 (hg19) VCF-style: chr11-71847080-C-A.
Other names: c.-320C>A (NM_001318045.2); c.82C>A, p.Arg28= (NM_001412270.1).
Identifiers: ClinVar variation 3035466 (VCV003035466.2), dbSNP rs1802609, ClinGen allele CA6168827.